The following is an entry in ClinVar:

NM_001004334.4(GPR179):c.2192C>T (p.Ala731Val)

Gene: GPR179 (G protein-coupled receptor 179; minus strand). Cytogenetic location: 17q12.
Variant type: single nucleotide variant.
Coding change: c.2192C>T on transcript NM_001004334.4 (MANE Select); coding-DNA position 2192, C replaced by T.
Protein change: p.Ala731Val; replaces alanine 731 with valine.
Molecular consequence: missense variant.
Genome position (GRCh38, 1-based): chr17:38,331,377, G>A on the plus strand (C>T on the coding strand, the complement: GPR179 is on the minus strand). VCF-style: chr17-38331377-G-A. GRCh37 (hg19) VCF-style: chr17-36487260-G-A.
Other names: short protein forms A731V.
Identifiers: ClinVar variation 1513760 (VCV001513760.7), dbSNP rs749359924, ClinGen allele CA290106069.

ClinVar aggregate classification (germline): Uncertain significance (1 of 4 stars; one submission).

Allele frequency attached by ClinVar (database versions not stated): gnomAD 0.00001; TOPMed below 0.00001; ExAC 0.00001; gnomAD exomes 0.00001.

Submission:

Labcorp Genetics (formerly Invitae), Labcorp
Classification: Uncertain significance. Last evaluated: 2022-02-24. Review status: criteria provided, single submitter. Criteria: Invitae Variant Classification Sherloc (09022015). Collection method: clinical testing. Allele origin: germline.
Comment: In summary, the available evidence is currently insufficient to determine the role of this variant in disease. Therefore, it has been classified as a Variant of Uncertain Significance. Algorithms developed to predict the effect of sequence changes on RNA splicing suggest that this variant may create or strengthen a splice site. This sequence change replaces alanine, which is neutral and non-polar, with valine, which is neutral and non-polar, at codon 731 of the GPR179 protein (p.Ala731Val). This variant is present in population databases (rs749359924, gnomAD 0.02%). This variant has not been reported in the literature in individuals affected with GPR179-related conditions. Algorithms developed to predict the effect of missense changes on protein structure and function output the following: SIFT: "Deleterious"; PolyPhen-2: "Benign"; Align-GVGD: "Class C0". The valine amino acid residue is found in multiple mammalian species, which suggests that this missense change does not adversely affect protein function.